The following is an entry in ClinVar:

ClinVar aggregate classification (germline): Uncertain significance (1 of 4 stars; one submission).

Submission:

GeneDx
Classification: Uncertain significance. Last evaluated: 2023-10-25. Review status: criteria provided, single submitter. Criteria: GeneDx Variant Classification Process June 2021. Collection method: clinical testing. Allele origin: germline. Affected: yes.
Comment: Not observed at significant frequency in large population cohorts (gnomAD); In silico analysis supports that this missense variant has a deleterious effect on protein structure/function; Has not been previously published as pathogenic or benign to our knowledge

NM_001609.4(ACADSB):c.472C>A (p.Gln158Lys)

Gene: ACADSB (acyl-CoA dehydrogenase short/branched chain; plus strand). Cytogenetic location: 10q26.13.
Variant type: single nucleotide variant.
Coding change: c.472C>A on transcript NM_001609.4 (MANE Select); coding-DNA position 472, C replaced by A.
Protein change: p.Gln158Lys; replaces glutamine 158 with lysine.
Molecular consequence: missense variant.
Genome position (GRCh38, 1-based): chr10:123,040,634, C>A. VCF-style: chr10-123040634-C-A. GRCh37 (hg19) VCF-style: chr10-124800150-C-A.
Other names: c.166C>A, p.Gln56Lys (NM_001330174.3); short protein forms Q158K, Q56K.
Identifiers: ClinVar variation 3363457 (VCV003363457.1).